The following is an entry in ClinVar:

ClinVar aggregate classification (germline): Pathogenic (1 of 4 stars; one submission).

Submission:

GeneDx
Classification: Pathogenic. Last evaluated: 2024-10-14. Review status: criteria provided, single submitter. Criteria: GeneDx Variant Classification Process June 2021. Collection method: clinical testing. Allele origin: germline. Affected: yes.
Comment: Canonical splice site variant predicted to result in an in-frame loss of the adjacent exon in a gene for which loss of function is a known mechanism of disease; Not observed at significant frequency in large population cohorts (gnomAD); This variant is associated with the following publications: (PMID: 29100083, 35982159, 33057194, 31026061, 38113761, 26029160)

NM_001330260.2(SCN8A):c.4419+1A>G

Gene: SCN8A (sodium voltage-gated channel alpha subunit 8; plus strand). Cytogenetic location: 12q13.13.
Variant type: single nucleotide variant.
Coding change: c.4419+1A>G on transcript NM_001330260.2 (MANE Select); the canonical splice donor site of the intron after coding-DNA position 4419, A replaced by G.
Molecular consequence: splice donor variant.
Genome position (GRCh38, 1-based): chr12:51,789,419, A>G. VCF-style: chr12-51789419-A-G. GRCh37 (hg19) VCF-style: chr12-52183203-A-G.
Other names: c.4419+1A>G (NM_014191.4); c.4296+1A>G (NM_001177984.3, NM_001369788.1).
Identifiers: ClinVar variation 419208 (VCV000419208.3), dbSNP rs1064793722, ClinGen allele CA16619562.
Genomic context (GRCh38, chr12:51,789,419, plus strand): 5'-TTCACCCTGAACCTGTTCATTGGTGTCATCATTGATAACTTCAATCAACAAAAGAAAAAG[A>G]TAGGTCTCCTCCCCTCATTGCCAGTGGTTGGAAGTCAGCCCAGATAAGAGGCACCTTTGT-3'